The following is an entry in ClinVar:

ClinVar aggregate classification (germline): Uncertain significance (1 of 4 stars; one submission).

Conditions:
Familial cold autoinflammatory syndrome 2 (FCAS2). Identifiers: Orphanet 247868, MedGen C2673198, MONDO:0012724, OMIM 611762.

gnomAD v4.1: 2 of 1,614,122 alleles (0.00012%); highest among the groups gnomAD compares: Admixed American, 0.0033%; no homozygotes.

Submission:

Labcorp Genetics (formerly Invitae), Labcorp
Classification: Uncertain significance for Familial cold autoinflammatory syndrome 2. Last evaluated: 2026-01-23. Review status: criteria provided, single submitter. Criteria: Invitae Variant Classification Sherloc (09022015). Collection method: clinical testing. Allele origin: germline.
Comment: This sequence change replaces serine, which is neutral and polar, with cysteine, which is neutral and slightly polar, at codon 639 of the NLRP12 protein (p.Ser639Cys). This variant is present in population databases (rs765951747, gnomAD 0.006%). This variant has not been reported in the literature in individuals affected with NLRP12-related conditions. An algorithm developed to predict the effect of missense changes on protein structure and function (PolyPhen-2) suggests that this variant is likely to be tolerated. In summary, the available evidence is currently insufficient to determine the role of this variant in disease. Therefore, it has been classified as a Variant of Uncertain Significance.

NM_144687.4(NLRP12):c.1915A>T (p.Ser639Cys)

Gene: NLRP12 (NLR family pyrin domain containing 12; minus strand). Cytogenetic location: 19q13.42.
Variant type: single nucleotide variant.
Coding change: c.1915A>T on transcript NM_144687.4 (MANE Select); coding-DNA position 1915, A replaced by T.
Protein change: p.Ser639Cys; replaces serine 639 with cysteine.
Molecular consequence: missense variant.
Genome position (GRCh38, 1-based): chr19:53,809,744, T>A on the plus strand (A>T on the coding strand, the complement: NLRP12 is on the minus strand). VCF-style: chr19-53809744-T-A. GRCh37 (hg19) VCF-style: chr19-54312998-T-A.
Other names: c.1915A>T, p.Ser639Cys (NM_001277126.2, NM_001277129.1); short protein forms S639C.
Identifiers: ClinVar variation 4739578 (VCV004739578.1).